The following is an entry in ClinVar:

NC_000006.11:g.(?_7565582)_(7568149_?)del

Gene: DSP (desmoplakin; plus strand). Cytogenetic location: 6p24.3.
Variant type: Deletion.
Identifiers: ClinVar variation 1512777 (VCV001512777.9).

ClinVar aggregate classification (germline): Likely pathogenic (1 of 4 stars; one submission).

Conditions:
Arrhythmogenic right ventricular dysplasia 8 (ARVD8). Also called: Arrhythmogenic Right Ventricular Dysplasia/Cardiomyopathy 8; ARRHYTHMOGENIC RIGHT VENTRICULAR DYSPLASIA, FAMILIAL, 8; ARRHYTHMOGENIC RIGHT VENTRICULAR CARDIOMYOPATHY 8. Identifiers: MedGen C1843896, MONDO:0011831, OMIM 607450.
Arrhythmogenic cardiomyopathy with wooly hair and keratoderma. Also called: Arrhythmogenic cardiomyopathy with woolly hair and keratoderma; Carvajal syndrome; PALMOPLANTAR KERATODERMA WITH LEFT VENTRICULAR CARDIOMYOPATHY AND WOOLLY HAIR; Dilated cardiomyopathy with woolly hair and keratoderma. Identifiers: Orphanet 65282, MedGen C1854063, MONDO:0011581, OMIM 605676.

Submission:

Labcorp Genetics (formerly Invitae), Labcorp
Classification: Likely pathogenic for Arrhythmogenic cardiomyopathy with wooly hair and keratoderma; Arrhythmogenic right ventricular dysplasia 8. Last evaluated: 2020-11-13. Review status: criteria provided, single submitter. Criteria: Invitae Variant Classification Sherloc (09022015). Collection method: clinical testing. Allele origin: germline.
Comment: In summary, the currently available evidence indicates that the variant is pathogenic, but additional data are needed to prove that conclusively. Therefore, this variant has been classified as Likely Pathogenic. This variant disrupts the p.Asn287 amino acid residue in DSP. Other variant(s) that disrupt this residue have been determined to be pathogenic (PMID: 25765472, 11841538). This suggests that this residue is clinically significant, and that variants that disrupt this residue are likely to be disease-causing. This variant has not been reported in the literature in individuals with DSP-related conditions. This variant is a gross deletion of the genomic region encompassing exon(s) 7-10 of the DSP gene. This variant would be expected to be in-frame, preserving the integrity of the reading frame.

Literature cited by the submitters: PubMed 25765472; PubMed 11841538.